The following is an entry in ClinVar:

ClinVar aggregate classification (germline): Uncertain significance (1 of 4 stars; one submission).

Conditions:
Inborn genetic diseases. Identifiers: MedGen C0950123, MeSH D030342.

Allele frequency attached by ClinVar (database versions not stated): ExAC 0.00003; 1000 Genomes Project 30x 0.00031; 1000 Genomes Project 0.00040.
gnomAD v4.1: 23 of 1,614,100 alleles (0.0014%); highest among the groups gnomAD compares: East Asian, 0.047%; no homozygotes.

Submission:

Ambry Genetics
Classification: Uncertain significance for Inborn genetic diseases. Last evaluated: 2021-07-06. Review status: criteria provided, single submitter. Criteria: Ambry Variant Classification Scheme 2023. Collection method: clinical testing. Allele origin: germline.
Comment: The c.3083-6T>C intronic alteration consists of a T to C substitution 6 nucleotides before coding exon 26 in the WDR62 gene. Based on insufficient or conflicting evidence, the clinical significance of this alteration remains unclear.

NM_001083961.2(WDR62):c.3083-6T>C

Gene: WDR62 (WD repeat domain 62; plus strand). Cytogenetic location: 19q13.12.
Variant type: single nucleotide variant.
Coding change: c.3083-6T>C on transcript NM_001083961.2 (MANE Select); 6 bases into the intron before coding-DNA position 3083, T replaced by C.
Molecular consequence: intron variant.
Genome position (GRCh38, 1-based): chr19:36,102,008, T>C. VCF-style: chr19-36102008-T-C. GRCh37 (hg19) VCF-style: chr19-36592910-T-C.
Other names: c.3083-6T>C (NM_173636.5).
Identifiers: ClinVar variation 2231823 (VCV002231823.2), dbSNP rs201697990, ClinGen allele CA9396155.
Genomic context (GRCh38, chr19:36,102,008, plus strand): 5'-TTCAGGTGGCGTCTGCTGTGACTCATGGTGTTGGCTCCTCTTGTCCCTCCCCTCCTTCCC[T>C]GTCAGGATGCGCAGGTCCCACAGAAGATGAGCTGTCCCTGCCCGAGGGACCCAGCGTCCC-3'